The following is an entry in ClinVar:

ClinVar aggregate classification (germline): Uncertain significance (1 of 4 stars; one submission).

Conditions:
CHARGE syndrome (CHARGE). Also called: Hittner Hirsch Kreh syndrome; CHARGE ASSOCIATION--COLOBOMA, HEART ANOMALY, CHOANAL ATRESIA, RETARDATION, GENITAL AND EAR ANOMALIES; Coloboma, heart anomaly, choanal atresia, retardation, genital and ear anomalies; CHARGE association; Hall-Hittner syndrome. Identifiers: Orphanet 138, MedGen C0265354, MONDO:0008965.

Submission:

Labcorp Genetics (formerly Invitae), Labcorp
Classification: Uncertain significance for CHARGE syndrome. Last evaluated: 2025-03-18. Review status: criteria provided, single submitter. Criteria: Invitae Variant Classification Sherloc (09022015). Collection method: clinical testing. Allele origin: germline.
Comment: This sequence change replaces phenylalanine, which is neutral and non-polar, with tyrosine, which is neutral and polar, at codon 868 of the CHD7 protein (p.Phe868Tyr). This variant is not present in population databases (gnomAD no frequency). This variant has not been reported in the literature in individuals affected with CHD7-related conditions. Invitae Evidence Modeling of protein sequence and biophysical properties (such as structural, functional, and spatial information, amino acid conservation, physicochemical variation, residue mobility, and thermodynamic stability) indicates that this missense variant is not expected to disrupt CHD7 protein function with a negative predictive value of 80%. In summary, the available evidence is currently insufficient to determine the role of this variant in disease. Therefore, it has been classified as a Variant of Uncertain Significance.

NM_017780.4(CHD7):c.2603T>A (p.Phe868Tyr)

Gene: CHD7 (chromodomain helicase DNA binding protein 7; plus strand). Cytogenetic location: 8q12.2.
Variant type: single nucleotide variant.
Coding change: c.2603T>A on transcript NM_017780.4 (MANE Select); coding-DNA position 2603, T replaced by A.
Protein change: p.Phe868Tyr; replaces phenylalanine 868 with tyrosine.
Molecular consequence: missense variant. On other transcripts: intron variant (1).
Genome position (GRCh38, 1-based): chr8:60,816,491, T>A. VCF-style: chr8-60816491-T-A. GRCh37 (hg19) VCF-style: chr8-61729050-T-A.
Other names: c.1716+35441T>A (NM_001316690.1); short protein forms F868Y.
Identifiers: ClinVar variation 4746286 (VCV004746286.1).
Genomic context (GRCh38, chr8:60,816,491, plus strand): 5'-AAGATAAGAGAATTCAGCAAAAAATTAAACGATTTAAGGCAAAGCAGGGCCAGAACAAGT[T>A]CCTTTCAGAGGTACGACATACCTGCTTACTTTTCCAAAGTATTTACTTTGTTAAAATGTT-3'
Protein context (NP_060250.2, residues 858-878): RFKAKQGQNK[Phe868Tyr]LSEIEDELFN